The following is an entry in ClinVar:

NM_015015.3(KDM4B):c.619A>G (p.Lys207Glu)

Gene: KDM4B (lysine demethylase 4B; plus strand). Cytogenetic location: 19p13.3.
Variant type: single nucleotide variant.
Coding change: c.619A>G on transcript NM_015015.3 (MANE Select); coding-DNA position 619, A replaced by G.
Protein change: p.Lys207Glu; replaces lysine 207 with glutamic acid.
Molecular consequence: missense variant.
Genome position (GRCh38, 1-based): chr19:5,047,662, A>G. VCF-style: chr19-5047662-A-G. GRCh37 (hg19) VCF-style: chr19-5047673-A-G.
Other names: c.619A>G, p.Lys207Glu (NM_001370093.1, NM_001370094.1, NM_001411148.1); short protein forms K207E.
Identifiers: ClinVar variation 4083176 (VCV004083176.1).

ClinVar aggregate classification (germline): Uncertain significance (1 of 4 stars; one submission).

Submission:

GeneDx
Classification: Uncertain significance. Last evaluated: 2025-03-12. Review status: criteria provided, single submitter. Criteria: GeneDx Variant Classification Process June 2021. Collection method: clinical testing. Allele origin: germline. Affected: yes.
Comment: Not observed at significant frequency in large population cohorts (gnomAD); In silico analysis supports that this missense variant has a deleterious effect on protein structure/function; Has not been previously published as pathogenic or benign to our knowledge